The following is an entry in ClinVar:

NM_001927.4(DES):c.253G>A (p.Ala85Thr)

Gene: DES (desmin; plus strand). Cytogenetic location: 2q35.
Variant type: single nucleotide variant.
Coding change: c.253G>A on transcript NM_001927.4 (MANE Select); coding-DNA position 253, G replaced by A.
Protein change: p.Ala85Thr; replaces alanine 85 with threonine.
Molecular consequence: missense variant.
Genome position (GRCh38, 1-based): chr2:219,418,715, G>A. VCF-style: chr2-219418715-G-A. GRCh37 (hg19) VCF-style: chr2-220283437-G-A.
Other names: c.253G>A, p.Ala85Thr (NM_001382708.1, NM_001382709.1, NM_001382710.1 and 3 more transcripts); short protein forms A85T.
Identifiers: ClinVar variation 2166746 (VCV002166746.4), dbSNP rs2125166126, ClinGen allele CA350684521.

ClinVar aggregate classification (germline): Uncertain significance (1 of 4 stars; one submission).

Conditions:
Desmin-related myofibrillar myopathy (MFM1). Also called: Desminopathy; Desmin related myopathy (former name); Desmin storage myopathy (former name); MYOFIBRILLAR MYOPATHY WITH ARRHYTHMOGENIC RIGHT VENTRICULAR CARDIOMYOPATHY; DESMIN-RELATED MYOPATHY WITH ARRHYTHMOGENIC RIGHT VENTRICULAR CARDIOMYOPATHY; Myofibrillar myopathy 1. Identifiers: Orphanet 363543, Orphanet 98909, MedGen C1832370, MONDO:0011076, OMIM 601419.

Allele frequency attached by ClinVar (database versions not stated): gnomAD exomes below 0.00001.

Submission:

Labcorp Genetics (formerly Invitae), Labcorp
Classification: Uncertain significance for Desmin-related myofibrillar myopathy. Last evaluated: 2025-09-03. Review status: criteria provided, single submitter. Criteria: Invitae Variant Classification Sherloc (09022015). Collection method: clinical testing. Allele origin: germline.
Comment: This sequence change replaces alanine, which is neutral and non-polar, with threonine, which is neutral and polar, at codon 85 of the DES protein (p.Ala85Thr). This variant is not present in population databases (gnomAD no frequency). This variant has not been reported in the literature in individuals affected with DES-related conditions. ClinVar contains an entry for this variant (Variation ID: 2166746). Invitae Evidence Modeling of protein sequence and biophysical properties (such as structural, functional, and spatial information, amino acid conservation, physicochemical variation, residue mobility, and thermodynamic stability) indicates that this missense variant is not expected to disrupt DES protein function with a negative predictive value of 80%. In summary, the available evidence is currently insufficient to determine the role of this variant in disease. Therefore, it has been classified as a Variant of Uncertain Significance.